The following is an entry in ClinVar:

ClinVar aggregate classification (germline): Uncertain significance. Review status: criteria provided, multiple submitters, no conflicts (2 of 4 stars). 7 submissions from 7 submitters: Uncertain significance (6). 1 of the submissions does not count toward it. Last evaluated 2025-07-15.

Conditions:
Inborn genetic diseases. Identifiers: MedGen C0950123, MeSH D030342.
Glycogen storage disease, type V (GSD5). Also called: McArdle type glycogen storage disease; MCARDLE DISEASE; MUSCLE GLYCOGEN PHOSPHORYLASE DEFICIENCY; MYOPHOSPHORYLASE DEFICIENCY; PYGM DEFICIENCY. Identifiers: Orphanet 368, MedGen C0017924, MONDO:0009293, OMIM 232600.

Allele frequency attached by ClinVar (database versions not stated): gnomAD 0.00002; gnomAD exomes 0.00004 and 0.00016; TOPMed 0.00008; ExAC 0.00016.
gnomAD v4.1: 62 of 1,613,978 alleles (0.0038%); highest among the groups gnomAD compares: Admixed American, 0.07%; no homozygotes.

Submissions (7):

Ambry Genetics
Classification: Uncertain significance for Inborn genetic diseases. Last evaluated: 2025-07-15. Review status: criteria provided, single submitter. Criteria: Ambry Variant Classification Scheme 2023. Collection method: clinical testing. Allele origin: germline.

Mayo Clinic Laboratories, Mayo Clinic
Classification: Uncertain significance. Last evaluated: 2025-03-14. Review status: criteria provided, single submitter. Criteria: ACMG Guidelines, 2015. Collection method: clinical testing. Allele origin: germline. Observed: 1 variant allele.
Comment: PP3_moderate

Labcorp Genetics (formerly Invitae), Labcorp
Classification: Uncertain significance for Glycogen storage disease, type V. Last evaluated: 2024-10-29. Review status: criteria provided, single submitter. Criteria: Invitae Variant Classification Sherloc (09022015). Collection method: clinical testing. Allele origin: germline.
Comment: This sequence change replaces arginine, which is basic and polar, with cysteine, which is neutral and slightly polar, at codon 640 of the PYGM protein (p.Arg640Cys). This variant is present in population databases (rs771016457, gnomAD 0.1%). This variant has not been reported in the literature in individuals affected with PYGM-related conditions. ClinVar contains an entry for this variant (Variation ID: 282583). Invitae Evidence Modeling of protein sequence and biophysical properties (such as structural, functional, and spatial information, amino acid conservation, physicochemical variation, residue mobility, and thermodynamic stability) indicates that this missense variant is expected to disrupt PYGM protein function with a positive predictive value of 95%. In summary, the available evidence is currently insufficient to determine the role of this variant in disease. Therefore, it has been classified as a Variant of Uncertain Significance.

GeneDx
Classification: Uncertain significance. Last evaluated: 2022-02-08. Review status: criteria provided, single submitter. Criteria: GeneDx Variant Classification Process June 2021. Collection method: clinical testing. Allele origin: germline. Affected: yes.
Comment: Missense variants in this gene are often considered pathogenic (HGMD); In silico analysis supports that this missense variant has a deleterious effect on protein structure/function; Has not been previously published as pathogenic or benign to our knowledge

Revvity Omics, Revvity
Classification: Uncertain significance for Glycogen storage disease, type V. Last evaluated: 2021-03-25. Review status: criteria provided, single submitter. Criteria: ACMG Guidelines, 2015. Collection method: clinical testing. Allele origin: germline.

Eurofins Ntd Llc (ga)
Classification: Uncertain significance. Last evaluated: 2015-08-27. Review status: criteria provided, single submitter. Criteria: EGL Classification Definitions 2015. Collection method: clinical testing. Allele origin: germline. Observed: 1 variant allele, 1 heterozygote.

Natera, Inc.
Classification: Uncertain significance for Glycogen storage disease V. Last evaluated: 2020-04-14. Review status: no assertion criteria provided. Collection method: clinical testing. Allele origin: germline. Not counted in ClinVar's aggregate classification.

NM_005609.4(PYGM):c.1918C>T (p.Arg640Cys)

Gene: PYGM (glycogen phosphorylase, muscle associated; minus strand). Cytogenetic location: 11q13.1.
Variant type: single nucleotide variant.
Coding change: c.1918C>T on transcript NM_005609.4 (MANE Select); coding-DNA position 1918, C replaced by T.
Protein change: p.Arg640Cys; replaces arginine 640 with cysteine.
Molecular consequence: missense variant.
Genome position (GRCh38, 1-based): chr11:64,751,376, G>A on the plus strand (C>T on the coding strand, the complement: PYGM is on the minus strand). VCF-style: chr11-64751376-G-A. GRCh37 (hg19) VCF-style: chr11-64518848-G-A.
Other names: p.Arg640Cys; c.1654C>T, p.Arg552Cys (NM_001164716.1); c.1918C>T (NM_005609.2); short protein forms R640C, R552C.
Identifiers: ClinVar variation 282583 (VCV000282583.14), dbSNP rs771016457, ClinGen allele CA6079677.